The following is an entry in ClinVar:

ClinVar aggregate classification (germline): Uncertain significance. Review status: criteria provided, multiple submitters, no conflicts (2 of 4 stars). 2 submissions from 2 submitters: Uncertain significance (2). Last evaluated 2025-07-14.

Allele frequency attached by ClinVar (database versions not stated): ESP Exome Variant Server 0.00008; gnomAD 0.00020; ExAC 0.00026.
gnomAD v4.1: 291 of 1,613,390 alleles (0.018%); highest among the groups gnomAD compares: Middle Eastern, 0.12%; no homozygotes.

Submissions (2):

Labcorp Genetics (formerly Invitae), Labcorp
Classification: Uncertain significance. Last evaluated: 2025-07-14. Review status: criteria provided, single submitter. Criteria: Invitae Variant Classification Sherloc (09022015). Collection method: clinical testing. Allele origin: germline.
Comment: This sequence change replaces leucine, which is neutral and non-polar, with isoleucine, which is neutral and non-polar, at codon 167 of the BCAT2 protein (p.Leu167Ile). This variant is present in population databases (rs377598825, gnomAD 0.09%). This variant has not been reported in the literature in individuals affected with BCAT2-related conditions. ClinVar contains an entry for this variant (Variation ID: 2176310). Invitae Evidence Modeling of protein sequence and biophysical properties (such as structural, functional, and spatial information, amino acid conservation, physicochemical variation, residue mobility, and thermodynamic stability) indicates that this missense variant is not expected to disrupt BCAT2 protein function with a negative predictive value of 80%. In summary, the available evidence is currently insufficient to determine the role of this variant in disease. Therefore, it has been classified as a Variant of Uncertain Significance.

Ambry Genetics
Classification: Uncertain significance. Last evaluated: 2024-10-06. Review status: criteria provided, single submitter. Criteria: Ambry Variant Classification Scheme 2023. Collection method: clinical testing. Allele origin: germline.

NM_001190.4(BCAT2):c.499C>A (p.Leu167Ile)

Gene: BCAT2 (branched chain amino acid transaminase 2; minus strand). Cytogenetic location: 19q13.33.
Variant type: single nucleotide variant.
Coding change: c.499C>A on transcript NM_001190.4 (MANE Select); coding-DNA position 499, C replaced by A.
Protein change: p.Leu167Ile; replaces leucine 167 with isoleucine.
Molecular consequence: missense variant.
Genome position (GRCh38, 1-based): chr19:48,800,013, G>T on the plus strand (C>A on the coding strand, the complement: BCAT2 is on the minus strand). VCF-style: chr19-48800013-G-T. GRCh37 (hg19) VCF-style: chr19-49303270-G-T.
Other names: c.223C>A, p.Leu75Ile (NM_001164773.2); c.379C>A, p.Leu127Ile (NM_001284325.2); c.499C>A (NM_001190.3); short protein forms L167I, L127I, L75I.
Identifiers: ClinVar variation 2176310 (VCV002176310.5), dbSNP rs377598825, ClinGen allele CA9558399.